The following is an entry in ClinVar:

NM_001166108.2(PALLD):c.1965-12859C>A

Gene: PALLD (palladin, cytoskeletal associated protein; plus strand). Cytogenetic location: 4q32.3.
Variant type: single nucleotide variant.
Coding change: c.1965-12859C>A on transcript NM_001166108.2 (MANE Select); 12859 bases into the intron before coding-DNA position 1965, C replaced by A.
Molecular consequence: intron variant. On other transcripts: missense variant (1).
Genome position (GRCh38, 1-based): chr4:168,878,063, C>A. VCF-style: chr4-168878063-C-A. GRCh37 (hg19) VCF-style: chr4-169799214-C-A.
Other names: c.172C>A, p.Pro58Thr (NM_001166110.2); c.1965-12859C>A (NM_016081.4); c.819-12859C>A (NM_001166109.2); c.-157-12859C>A (NM_001367570.1, NM_001367568.1, NM_001367567.1 and 1 more transcripts); short protein forms P58T.
Identifiers: ClinVar variation 5026245 (VCV005026245.1).

ClinVar aggregate classification (germline): Uncertain significance (1 of 4 stars; one submission).

Submission:

Ambry Genetics
Classification: Uncertain significance. Last evaluated: 2026-08-19. Review status: criteria provided, single submitter. Criteria: Ambry Variant Classification Scheme 2023. Collection method: clinical testing. Allele origin: germline.
Comment: The p.P58T variant (also known as c.172C>A), located in coding exon 1 of the PALLD gene, results from a C to A substitution at nucleotide position 172. The proline at codon 58 is replaced by threonine, an amino acid with highly similar properties. This amino acid position is conserved. In addition, this alteration is predicted to be tolerated by in silico analysis. Based on the available evidence, the clinical significance of this variant remains unclear.